The following is an entry in ClinVar:

NM_003803.4(MYOM1):c.4828G>C (p.Glu1610Gln)

Gene: MYOM1 (myomesin 1; minus strand). Cytogenetic location: 18p11.31.
Variant type: single nucleotide variant.
Coding change: c.4828G>C on transcript NM_003803.4 (MANE Select); coding-DNA position 4828, G replaced by C.
Protein change: p.Glu1610Gln; replaces glutamic acid 1610 with glutamine.
Molecular consequence: missense variant.
Genome position (GRCh38, 1-based): chr18:3,067,492, C>G on the plus strand (G>C on the coding strand, the complement: MYOM1 is on the minus strand). VCF-style: chr18-3067492-C-G. GRCh37 (hg19) VCF-style: chr18-3067490-C-G.
Other names: c.4540G>C, p.Glu1514Gln (NM_019856.2); short protein forms E1514Q, E1610Q.
Identifiers: ClinVar variation 1743398 (VCV001743398.3), dbSNP rs369026745, ClinGen allele CA8873750.
Genomic context (GRCh38, chr18:3,067,492, plus strand): 5'-ACGCGGTCCTCCCAGCCTCGAACTTGAGGTTGCAGTGGTCGTCTGAGGCCAGGGCCTTCT[C>G]GTTCTTCAACCACGACACCTCCGGAGGCGGGTCTCCCCACACGTTGCAAGTGAGATTAAG-3'
Protein context (NP_003794.3, residues 1600-1620): PPPEVSWLKN[Glu1610Gln]KALASDDHCN

ClinVar aggregate classification (germline): Uncertain significance (1 of 4 stars; one submission).

Allele frequency attached by ClinVar (database versions not stated): ESP Exome Variant Server 0.00008.
gnomAD v4.1: 11 of 1,613,838 alleles (0.00068%); highest among the groups gnomAD compares: East Asian, 0.0022%; no homozygotes.

Submission:

Ambry Genetics
Classification: Uncertain significance. Last evaluated: 2025-10-05. Review status: criteria provided, single submitter. Criteria: Ambry Variant Classification Scheme 2023. Collection method: clinical testing. Allele origin: germline.
Comment: The p.E1610Q variant (also known as c.4828G>C), located in coding exon 37 of the MYOM1 gene, results from a G to C substitution at nucleotide position 4828. The glutamic acid at codon 1610 is replaced by glutamine, an amino acid with highly similar properties. This amino acid position is conserved. In addition, this alteration is predicted to be tolerated by in silico analysis. Since supporting evidence is limited at this time, the clinical significance of this alteration remains unclear.